The following is an entry in ClinVar:

NM_000080.4(CHRNE):c.572A>T (p.Lys191Met)

Genes: CHRNE (cholinergic receptor nicotinic epsilon subunit; minus strand), C17orf107 (chromosome 17 open reading frame 107; plus strand). Cytogenetic location: 17p13.2.
Variant type: single nucleotide variant.
Coding change: c.572A>T on transcript NM_000080.4 (MANE Select); coding-DNA position 572, A replaced by T.
Protein change: p.Lys191Met; replaces lysine 191 with methionine.
Molecular consequence: missense variant. On other transcripts: 3 prime UTR variant (1).
Genome position (GRCh38, 1-based): chr17:4,901,554, T>A on the plus strand (A>T on the coding strand, the complement: CHRNE is on the minus strand). VCF-style: chr17-4901554-T-A. GRCh37 (hg19) VCF-style: chr17-4804849-T-A.
Other names: c.*1021T>A (NM_001145536.2); short protein forms K191M.
Identifiers: ClinVar variation 465863 (VCV000465863.1), dbSNP rs1555546863, ClinGen allele CA397305848.
Genomic context (GRCh38, chr17:4,901,554, plus strand): 5'-GCGGGTTTTTCTGAGCAGGCAGGGGCTTCACCAGTATAGGCCTCTGTGTCGATGTCGATC[T>A]TGTTGATGGTCTTGCCGTCGTTGTCTACGGCAAAAGTGAACTCCACCTCTTCGGCATTGT-3'
Protein context (NP_000071.1, residues 181-201): AVDNDGKTIN[Lys191Met]IDIDTEAYTE

ClinVar aggregate classification (germline): Uncertain significance (1 of 4 stars; one submission).

Conditions:
Congenital myasthenic syndrome 4A. Also called: Myasthenic syndrome, congenital, 4a, slow-channel; CONGENITAL MYASTHENIC SYNDROME TYPE Ia1; MYASTHENIC SYNDROME, CONGENITAL, 4A, SLOW-CHANNEL, AUTOSOMAL RECESSIVE. Identifiers: Orphanet 590, MedGen C4225413, MONDO:0011600, OMIM 605809.

Submission:

Labcorp Genetics (formerly Invitae), Labcorp
Classification: Uncertain significance for Congenital myasthenic syndrome 4A. Last evaluated: 2017-07-10. Review status: criteria provided, single submitter. Criteria: Invitae Variant Classification Sherloc (09022015). Collection method: clinical testing. Allele origin: germline.
Comment: This sequence change replaces lysine with methionine at codon 191 of the CHRNE protein (p.Lys191Met). The lysine residue is weakly conserved and there is a moderate physicochemical difference between lysine and methionine. This variant is not present in population databases (ExAC no frequency). This variant has not been reported in the literature in individuals with CHRNE-related disease. Algorithms developed to predict the effect of missense changes on protein structure and function do not agree on the potential impact of this missense change (SIFT: "Tolerated"; PolyPhen-2: "Possibly Damaging"; Align-GVGD: "Class C0"). In summary, the available evidence is currently insufficient to determine the role of this variant in disease. Therefore, it has been classified as a Variant of Uncertain Significance.